The following is an entry in ClinVar:

ClinVar aggregate classification (germline): Uncertain significance (1 of 4 stars; one submission).

Conditions:
Fanconi anemia complementation group O. Also called: RAD51C-Related Fanconi Anemia. Identifiers: Orphanet 84, MedGen C3150653, MONDO:0013248, OMIM 613390.

Submission:

Labcorp Genetics (formerly Invitae), Labcorp
Classification: Uncertain significance for Fanconi anemia complementation group O. Last evaluated: 2022-06-09. Review status: criteria provided, single submitter. Criteria: Invitae Variant Classification Sherloc (09022015). Collection method: clinical testing. Allele origin: germline.
Comment: This sequence change falls in intron 7 of the RAD51C gene. It does not directly change the encoded amino acid sequence of the RAD51C protein. In summary, the available evidence is currently insufficient to determine the role of this variant in disease. Therefore, it has been classified as a Variant of Uncertain Significance. Algorithms developed to predict the effect of sequence changes on RNA splicing suggest that this variant may disrupt the consensus splice site. This variant has not been reported in the literature in individuals affected with RAD51C-related conditions. This variant is not present in population databases (gnomAD no frequency).

NM_058216.3(RAD51C):c.966-6A>G

Gene: RAD51C (RAD51 paralog C; plus strand). Cytogenetic location: 17q22.
Variant type: single nucleotide variant.
Coding change: c.966-6A>G on transcript NM_058216.3 (MANE Select); 6 bases into the intron before coding-DNA position 966, A replaced by G.
Molecular consequence: intron variant.
Genome position (GRCh38, 1-based): chr17:58,732,478, A>G. VCF-style: chr17-58732478-A-G. GRCh37 (hg19) VCF-style: chr17-56809839-A-G.
Identifiers: ClinVar variation 2003706 (VCV002003706.4), dbSNP rs2144043850, ClinGen allele CA2580094393.
Genomic context (GRCh38, chr17:58,732,478, plus strand): 5'-GTCATCTGAACTTTTAATTAATTAAGTTCATGTGTTTGTATGTATTTATTCTTTTTCTTT[A>G]AGCAGGTTGGCAACATTGTACAAGTCACCCAGCCAGAAGGAATGCACAGTACTGTTTCAA-3'